The following is an entry in ClinVar:

NM_194454.3(KRIT1):c.1145del (p.Arg382fs)

Gene: KRIT1 (KRIT1 ankyrin repeat containing; minus strand). Cytogenetic location: 7q21.2.
Variant type: Deletion.
Coding change: c.1145del on transcript NM_194454.3 (MANE Select); coding-DNA position 1145, one base deleted (G; older notation c.1145delG).
Protein change: p.Arg382fs; shifts the reading frame from arginine 382.
Molecular consequence: frameshift variant.
Genome position (GRCh38, 1-based): chr7:92,226,527, C deleted on the plus strand (G on the coding strand, the reverse complement: KRIT1 is on the minus strand). VCF-style (leftmost placement, unchanged base first): chr7-92226526-TC-T. GRCh37 (hg19) VCF-style: chr7-91855840-TC-T.
Other names: c.1145del, p.Arg382fs (NM_001350697.1, NM_004912.4, NM_194455.1 and 26 more transcripts); c.1001del, p.Arg334fs (NM_001013406.2, NM_001350669.1, NM_001350670.1); c.431del, p.Arg144fs (NM_001350671.1); short protein forms R144fs, R382fs, R334fs.
Identifiers: ClinVar variation 2017525 (VCV002017525.4), dbSNP rs2535885308, ClinGen allele CA2580077448.

ClinVar aggregate classification (germline): Pathogenic (1 of 4 stars; one submission).

Conditions:
Cerebral cavernous malformation (CCM). Also called: CAVERNOUS ANGIOMA, FAMILIAL; CAVERNOUS ANGIOMATOUS MALFORMATIONS; CEREBRAL CAPILLARY MALFORMATIONS; Cavernous Hemangioma of Brain; Cerebral cavernous hemangioma (type); Cerebral cavernous malformations. Identifiers: Orphanet 221061, MedGen C2919945, MONDO:0000820, OMIM 116860, HP:0033522.

Submission:

Labcorp Genetics (formerly Invitae), Labcorp
Classification: Pathogenic for Cerebral cavernous malformation. Last evaluated: 2022-10-17. Review status: criteria provided, single submitter. Criteria: Invitae Variant Classification Sherloc (09022015). Collection method: clinical testing. Allele origin: germline.
Comment: This sequence change creates a premature translational stop signal (p.Arg382Asnfs*3) in the KRIT1 gene. It is expected to result in an absent or disrupted protein product. Loss-of-function variants in KRIT1 are known to be pathogenic (PMID: 10508515, 11222804, 12404106, 24689081). This variant is not present in population databases (gnomAD no frequency). This variant has not been reported in the literature in individuals affected with KRIT1-related conditions. For these reasons, this variant has been classified as Pathogenic.

Literature cited by the submitters: PubMed 10508515; PubMed 11222804; PubMed 12404106; PubMed 24689081.